The following is an entry in ClinVar:

NM_001130438.3(SPTAN1):c.7246A>C (p.Ser2416Arg)

Gene: SPTAN1 (spectrin alpha, non-erythrocytic 1; plus strand). Cytogenetic location: 9q34.11.
Variant type: single nucleotide variant.
Coding change: c.7246A>C on transcript NM_001130438.3 (MANE Select); coding-DNA position 7246, A replaced by C.
Protein change: p.Ser2416Arg; replaces serine 2416 with arginine.
Molecular consequence: missense variant.
Genome position (GRCh38, 1-based): chr9:128,632,893, A>C. VCF-style: chr9-128632893-A-C. GRCh37 (hg19) VCF-style: chr9-131395172-A-C.
Other names: c.7171A>C, p.Ser2391Arg (NM_001195532.2); c.7309A>C, p.Ser2437Arg (NM_001363759.2); c.7186A>C, p.Ser2396Arg (NM_001363765.2, NM_001375314.2); c.7333A>C, p.Ser2445Arg (NM_001375310.1); c.7246A>C, p.Ser2416Arg (NM_001375311.2); c.7282A>C, p.Ser2428Arg (NM_001375312.2); c.7228A>C, p.Ser2410Arg (NM_001375313.1); c.7345A>C, p.Ser2449Arg (NM_001375318.1); and 1 more; short protein forms S2396R, S2428R, S2445R, S2437R, S2449R, S2411R, S2391R, S2410R.
Identifiers: ClinVar variation 2825580 (VCV002825580.3), dbSNP rs2542397737, ClinGen allele CA375102468.

ClinVar aggregate classification (germline): Uncertain significance (1 of 4 stars; one submission).

Conditions:
Early-infantile DEE. Also called: Early infantile epileptic encephalopathy; Early infantile epileptic encephalopathy with suppression bursts; Ohtahara syndrome. Identifiers: Orphanet 1934, MedGen C0393706, MONDO:0800491.

Submission:

Labcorp Genetics (formerly Invitae), Labcorp
Classification: Uncertain significance for Early-infantile DEE. Last evaluated: 2024-06-11. Review status: criteria provided, single submitter. Criteria: Invitae Variant Classification Sherloc (09022015). Collection method: clinical testing. Allele origin: germline.
Comment: This sequence change replaces serine, which is neutral and polar, with arginine, which is basic and polar, at codon 2416 of the SPTAN1 protein (p.Ser2416Arg). This variant is not present in population databases (gnomAD no frequency). This variant has not been reported in the literature in individuals affected with SPTAN1-related conditions. Advanced modeling of protein sequence and biophysical properties (such as structural, functional, and spatial information, amino acid conservation, physicochemical variation, residue mobility, and thermodynamic stability) has been performed at Invitae for this missense variant, however the output from this modeling did not meet the statistical confidence thresholds required to predict the impact of this variant on SPTAN1 protein function. In summary, the available evidence is currently insufficient to determine the role of this variant in disease. Therefore, it has been classified as a Variant of Uncertain Significance.